The following is an entry in ClinVar:

ClinVar aggregate classification (germline): Likely benign. Review status: criteria provided, multiple submitters, no conflicts (2 of 4 stars). 4 submissions from 4 submitters: Likely benign (4). Last evaluated 2026-01-25.

Conditions:
Cardiovascular phenotype. Identifiers: MedGen CN230736.
Cardiomyopathy (CMYO). Also called: Cardiomyopathies. Identifiers: Orphanet 167848, MedGen C0878544, MONDO:0004994, HP:0001638. Inheritance: Various modes of inheritance.
Hypertrophic cardiomyopathy. Also called: HYPERTROPHIC MYOCARDIOPATHY. Identifiers: Orphanet 217569, MedGen C0007194, MeSH D002312, MONDO:0005045, HP:0001639.

Allele frequency attached by ClinVar (database versions not stated): gnomAD 0.00001; gnomAD exomes 0.00001.
gnomAD v4.1: 18 of 1,614,060 alleles (0.0011%); highest among the groups gnomAD compares: Non-Finnish European, 0.0015%; no homozygotes.

Submissions (4):

Ambry Genetics
Classification: Likely benign for Cardiovascular phenotype. Last evaluated: 2026-01-25. Review status: criteria provided, single submitter. Criteria: Ambry Variant Classification Scheme 2023. Collection method: clinical testing. Allele origin: germline.

Labcorp Genetics (formerly Invitae), Labcorp
Classification: Likely benign for Hypertrophic cardiomyopathy. Last evaluated: 2023-09-12. Review status: criteria provided, single submitter. Criteria: Invitae Variant Classification Sherloc (09022015). Collection method: clinical testing. Allele origin: germline.

Color Diagnostics, LLC DBA Color Health
Classification: Likely benign for Cardiomyopathy. Last evaluated: 2021-01-05. Review status: criteria provided, single submitter. Criteria: ACMG Guidelines, 2015. Collection method: clinical testing. Allele origin: germline.

Laboratory for Molecular Medicine, Mass General Brigham Personalized Medicine
Classification: Likely benign. Last evaluated: 2012-11-07. Review status: criteria provided, single submitter. Criteria: LMM Criteria. Collection method: clinical testing. Allele origin: germline. Observed: 1 variant allele.
Comment: Ile784Ile in exon 21 of MYH7: This variant is not expected to have clinical sign ificance because it does not alter an amino acid residue and is not located with in the splice consensus sequence. Ile784Ile in exon 21 of MYH7 (allele frequenc y = n/a)

NM_000257.4(MYH7):c.2352C>T (p.Ile784=)

Genes: MYH7 (myosin heavy chain 7; minus strand), LOC126861898 (BRD4-independent group 4 enhancer GRCh37_chr14:23893609-23894808; plus strand). Cytogenetic location: 14q11.2.
Variant type: single nucleotide variant.
Coding change: c.2352C>T on transcript NM_000257.4 (MANE Select); coding-DNA position 2352, C replaced by T.
Protein change: p.Ile784=; no amino-acid change (isoleucine 784 retained).
Molecular consequence: synonymous variant.
Genome position (GRCh38, 1-based): chr14:23,425,353, G>A on the plus strand (C>T on the coding strand, the complement: MYH7 is on the minus strand). VCF-style: chr14-23425353-G-A. GRCh37 (hg19) VCF-style: chr14-23894562-G-A.
Identifiers: ClinVar variation 42897 (VCV000042897.18), dbSNP rs397516143, ClinGen allele CA012211.
Genomic context (GRCh38, chr14:23,425,353, plus strand): 5'-CAGCTTTTTGTACTCCATTCTGGCGAGCACACCTCGGGACTGGGCCTGGATACGCGTGAT[G>A]ATGCGGCTCAGCCTCTCGTCCCTCATTTCCTCCAGCAGCCCCAGCAGCCCGGCCTTGAAG-3'
Protein context (NP_000248.2, residues 774-794): EEMRDERLSR[Ile784=]ITRIQAQSRG